The following is an entry in ClinVar:

ClinVar aggregate classification (germline): Uncertain significance (1 of 4 stars; one submission).

Conditions:
Cryopyrin associated periodic syndrome (CAPS). Identifiers: Orphanet 208650, MedGen C2316212, MONDO:0016168.

Submission:

Labcorp Genetics (formerly Invitae), Labcorp
Classification: Uncertain significance for Cryopyrin associated periodic syndrome. Last evaluated: 2022-07-05. Review status: criteria provided, single submitter. Criteria: Invitae Variant Classification Sherloc (09022015). Collection method: clinical testing. Allele origin: germline.
Comment: In summary, the available evidence is currently insufficient to determine the role of this variant in disease. Therefore, it has been classified as a Variant of Uncertain Significance. Algorithms developed to predict the effect of missense changes on protein structure and function output the following: SIFT: "Deleterious"; PolyPhen-2: "Benign"; Align-GVGD: "Class C0". The arginine amino acid residue is found in multiple mammalian species, which suggests that this missense change does not adversely affect protein function. ClinVar contains an entry for this variant (Variation ID: 1406938). This variant has not been reported in the literature in individuals affected with NLRP3-related conditions. This variant is not present in population databases (gnomAD no frequency). This sequence change replaces lysine, which is basic and polar, with arginine, which is basic and polar, at codon 194 of the NLRP3 protein (p.Lys194Arg).

NM_001243133.2(NLRP3):c.575A>G (p.Lys192Arg)

Gene: NLRP3 (NLR family pyrin domain containing 3; plus strand). Cytogenetic location: 1q44.
Variant type: single nucleotide variant.
Coding change: c.575A>G on transcript NM_001243133.2 (MANE Select); coding-DNA position 575, A replaced by G.
Protein change: p.Lys192Arg; replaces lysine 192 with arginine.
Molecular consequence: missense variant.
Genome position (GRCh38, 1-based): chr1:247,424,024, A>G. VCF-style: chr1-247424024-A-G. GRCh37 (hg19) VCF-style: chr1-247587326-A-G.
Other names: c.575A>G, p.Lys192Arg (NM_001079821.3, NM_001127461.3, NM_001127462.3 and 1 more transcripts); c.581A>G, p.Lys194Arg (NM_004895.5); short protein forms K194R, K192R.
Identifiers: ClinVar variation 1406938 (VCV001406938.8), dbSNP rs2103105985, ClinGen allele CA345554961.